The following is an entry in ClinVar:

NM_000551.4(VHL):c.122A>C (p.Glu41Ala)

Gene: VHL (von Hippel-Lindau tumor suppressor; plus strand). Cytogenetic location: 3p25.3.
Variant type: single nucleotide variant.
Coding change: c.122A>C on transcript NM_000551.4 (MANE Select); coding-DNA position 122, A replaced by C.
Protein change: p.Glu41Ala; replaces glutamic acid 41 with alanine.
Molecular consequence: missense variant.
Genome position (GRCh38, 1-based): chr3:10,141,969, A>C. VCF-style: chr3-10141969-A-C. GRCh37 (hg19) VCF-style: chr3-10183653-A-C.
Other names: c.122A>C, p.Glu41Ala (NM_001354723.2, NM_198156.3); short protein forms E41A.
Identifiers: ClinVar variation 1966895 (VCV001966895.5), dbSNP rs1696122750, ClinGen allele CA351747928.

ClinVar aggregate classification (germline): Uncertain significance (1 of 4 stars; one submission).

Conditions:
Chuvash polycythemia. Also called: POLYCYTHEMIA, VHL-DEPENDENT. Identifiers: Orphanet 238557, MedGen C1837915, MONDO:0009892, OMIM 263400.
Von Hippel-Lindau syndrome (VHLS). Also called: von Hippel–Lindau syndrome; Von Hippel-Lindau; VHL syndrome. Identifiers: Orphanet 892, MedGen C0019562, MONDO:0008667, OMIM 193300. Disease mechanism: loss of function.

Submission:

Labcorp Genetics (formerly Invitae), Labcorp
Classification: Uncertain significance for Von Hippel-Lindau syndrome; Chuvash polycythemia. Last evaluated: 2022-04-20. Review status: criteria provided, single submitter. Criteria: Invitae Variant Classification Sherloc (09022015). Collection method: clinical testing. Allele origin: germline.
Comment: In summary, the available evidence is currently insufficient to determine the role of this variant in disease. Therefore, it has been classified as a Variant of Uncertain Significance. Advanced modeling of protein sequence and biophysical properties (such as structural, functional, and spatial information, amino acid conservation, physicochemical variation, residue mobility, and thermodynamic stability) performed at Invitae indicates that this missense variant is not expected to disrupt VHL protein function. This variant has not been reported in the literature in individuals affected with VHL-related conditions. This variant is not present in population databases (gnomAD no frequency). This sequence change replaces glutamic acid, which is acidic and polar, with alanine, which is neutral and non-polar, at codon 41 of the VHL protein (p.Glu41Ala).